The following is an entry in ClinVar:

ClinVar aggregate classification (germline): Uncertain significance. Review status: criteria provided, single submitter (1 of 4 stars). 2 submissions from 2 submitters: Uncertain significance (1). 1 of the submissions does not count toward it. Last evaluated 2025-12-01.

Submissions (2):

Labcorp Genetics (formerly Invitae), Labcorp
Classification: Uncertain significance. Last evaluated: 2025-12-01. Review status: criteria provided, single submitter. Criteria: Invitae Variant Classification Sherloc (09022015). Collection method: clinical testing. Allele origin: germline.
Comment: This sequence change replaces methionine, which is neutral and non-polar, with leucine, which is neutral and non-polar, at codon 270 of the SOX17 protein (p.Met270Leu). Information on the frequency of this variant in the gnomAD database is not available, as this variant may be reported differently in the database. This missense change has been observed in individual(s) with clinical features of SOX17-related conditions (internal data). ClinVar contains an entry for this variant (Variation ID: 591418). Experimental studies and prediction algorithms are not available or were not evaluated, and the functional significance of this variant is currently unknown. In summary, the available evidence is currently insufficient to determine the role of this variant in disease. Therefore, it has been classified as a Variant of Uncertain Significance.

Gharavi Laboratory, Columbia University
Classification: Uncertain significance. Last evaluated: 2018-09-16. Review status: no assertion criteria provided. Criteria: ACMG Guidelines, 2015. Collection method: research. Allele origin: germline. Affected: yes. Not counted in ClinVar's aggregate classification.

NM_022454.4(SOX17):c.807_808delinsAT (p.Met270Leu)

Gene: SOX17 (SRY-box transcription factor 17; plus strand). Cytogenetic location: 8q11.23.
Variant type: Indel.
Coding change: c.807_808delinsAT on transcript NM_022454.4 (MANE Select); coding-DNA positions 807 to 808, CA replaced by AT.
Protein change: p.Met270Leu; replaces methionine 270 with leucine.
Molecular consequence: missense variant.
Genome position (GRCh38, 1-based): chr8:54,459,557-54,459,558, CA replaced by AT. VCF-style: chr8-54459557-CA-AT. GRCh37 (hg19) VCF-style: chr8-55372117-CA-AT.
Other names: short protein forms M270L.
Identifiers: ClinVar variation 591418 (VCV000591418.5), dbSNP rs1563871910, ClinGen allele CA891862855.